The following is an entry in ClinVar:

ClinVar aggregate classification (germline): Uncertain significance (1 of 4 stars; one submission).

Submission:

Labcorp Genetics (formerly Invitae), Labcorp
Classification: Uncertain significance. Last evaluated: 2023-06-30. Review status: criteria provided, single submitter. Criteria: Invitae Variant Classification Sherloc (09022015). Collection method: clinical testing. Allele origin: germline.
Comment: This sequence change replaces valine, which is neutral and non-polar, with alanine, which is neutral and non-polar, at codon 536 of the TRPM1 protein (p.Val536Ala). This variant is not present in population databases (gnomAD no frequency). This variant has not been reported in the literature in individuals affected with TRPM1-related conditions. ClinVar contains an entry for this variant (Variation ID: 1901869). Advanced modeling of protein sequence and biophysical properties (such as structural, functional, and spatial information, amino acid conservation, physicochemical variation, residue mobility, and thermodynamic stability) performed at Invitae indicates that this missense variant is not expected to disrupt TRPM1 protein function. In summary, the available evidence is currently insufficient to determine the role of this variant in disease. Therefore, it has been classified as a Variant of Uncertain Significance.

NM_001252024.2(TRPM1):c.1673T>C (p.Val558Ala)

Gene: TRPM1 (transient receptor potential cation channel subfamily M member 1; minus strand). Cytogenetic location: 15q13.3.
Variant type: single nucleotide variant.
Coding change: c.1673T>C on transcript NM_001252024.2 (MANE Select); coding-DNA position 1673, T replaced by C.
Protein change: p.Val558Ala; replaces valine 558 with alanine.
Molecular consequence: missense variant.
Genome position (GRCh38, 1-based): chr15:31,047,202, A>G on the plus strand (T>C on the coding strand, the complement: TRPM1 is on the minus strand). VCF-style: chr15-31047202-A-G. GRCh37 (hg19) VCF-style: chr15-31339405-A-G.
Other names: c.1724T>C, p.Val575Ala (NM_001252020.2); c.1607T>C, p.Val536Ala (NM_002420.6); short protein forms V536A, V558A, V575A.
Identifiers: ClinVar variation 1901869 (VCV001901869.5), dbSNP rs1390289996, ClinGen allele CA391515389.